The following is an entry in ClinVar:

ClinVar aggregate classification (germline): Uncertain significance (1 of 4 stars; one submission).

Submission:

Labcorp Genetics (formerly Invitae), Labcorp
Classification: Uncertain significance. Last evaluated: 2024-10-22. Review status: criteria provided, single submitter. Criteria: Invitae Variant Classification Sherloc (09022015). Collection method: clinical testing. Allele origin: germline.
Comment: This sequence change replaces lysine, which is basic and polar, with arginine, which is basic and polar, at codon 98 of the NDUFAF1 protein (p.Lys98Arg). This variant is not present in population databases (gnomAD no frequency). This variant has not been reported in the literature in individuals affected with NDUFAF1-related conditions. ClinVar contains an entry for this variant (Variation ID: 1715210). Invitae Evidence Modeling of protein sequence and biophysical properties (such as structural, functional, and spatial information, amino acid conservation, physicochemical variation, residue mobility, and thermodynamic stability) indicates that this missense variant is not expected to disrupt NDUFAF1 protein function with a negative predictive value of 80%. In summary, the available evidence is currently insufficient to determine the role of this variant in disease. Therefore, it has been classified as a Variant of Uncertain Significance.

NM_016013.4(NDUFAF1):c.293A>G (p.Lys98Arg)

Gene: NDUFAF1 (NADH:ubiquinone oxidoreductase complex assembly factor 1; minus strand). Cytogenetic location: 15q15.1.
Variant type: single nucleotide variant.
Coding change: c.293A>G on transcript NM_016013.4 (MANE Select); coding-DNA position 293, A replaced by G.
Protein change: p.Lys98Arg; replaces lysine 98 with arginine.
Molecular consequence: missense variant. On other transcripts: non-coding transcript variant (1).
Genome position (GRCh38, 1-based): chr15:41,396,767, T>C on the plus strand (A>G on the coding strand, the complement: NDUFAF1 is on the minus strand). VCF-style: chr15-41396767-T-C. GRCh37 (hg19) VCF-style: chr15-41688965-T-C.
Other names: short protein forms K98R.
Identifiers: ClinVar variation 1715210 (VCV001715210.5), dbSNP rs766081384, ClinGen allele CA391810376.
Genomic context (GRCh38, chr15:41,396,767, plus strand): 5'-AGCAAGACCTCATGCAGAGGGTGGCCTTCCGGTCCTCTCCAATGATCCACAATTTCATCC[T>C]TCAAAAGCCTAAAATGGTATATTGCTTCATCTCTAATTGCTTTATCGAAACTAACATCAG-3'
Protein context (NP_057097.2, residues 88-108): DEAIYHFRLL[Lys98Arg]DEIVDHWRGP